The following is an entry in ClinVar:

ClinVar aggregate classification (germline): Uncertain significance (1 of 4 stars; one submission).

Submission:

Medical Genetic Center, Changzhi Maternal and Child Health Care Hospital
Classification: Uncertain significance. Last evaluated: 2025-12-10. Review status: criteria provided, single submitter. Criteria: ACMG/ClinGen CNV Guidelines, 2019. Collection method: clinical testing. Allele origin: unknown.
Comment: 1A(0)+3A(0):MPZ,SDHC duplication

GRCh38/hg38 1q23.3(chr1:161255096-161389163)x3

Genes: CFAP126 (cilia and flagella associated protein 126; minus strand), MPZ (myelin protein zero; minus strand), PCP4L1 (Purkinje cell protein 4 like 1; plus strand), SDHC (succinate dehydrogenase complex subunit C; plus strand). Cytogenetic location: 1q23.3.
Variant type: copy number gain.
Change: copy number 3 (three copies instead of two) of chr1:161,255,096-161,389,163 (134.1 kb, GRCh38 coordinates, 1-based), cytogenetic band 1q23.3.
Identifiers: ClinVar variation 4796435 (VCV004796435.1).